The following is an entry in ClinVar:

ClinVar aggregate classification (germline): Pathogenic. Review status: criteria provided, multiple submitters, no conflicts (2 of 4 stars). 9 submissions from 9 submitters: Pathogenic (7). 2 of the submissions do not count toward it. Last evaluated 2025-12-17.

Conditions:
Severe combined immunodeficiency, autosomal recessive, T cell-negative, B cell-negative, NK cell-negative, due to adenosine deaminase deficiency. Also called: SCID DUE TO ADA DEFICIENCY; SCID DUE TO ADA DEFICIENCY, EARLY-ONSET; ADA-SCID; ADA deficiency; Adenosine deaminase deficient severe combined immunodeficiency; Severe combined immunodeficiency due to ADA deficiency. Identifiers: Orphanet 277, MedGen C0392607, MONDO:0007064, OMIM 102700.
ADA-related disorder. Also called: ADA-related condition.
Severe combined immunodeficiency disease. Also called: Severe Combined Immune Deficiency; Severe combined immunodeficiency. Identifiers: Orphanet 183660, MedGen C0085110, MeSH D016511, MONDO:0015974, HP:0004430. Inheritance: X-Linked or Autosomal recessive.

Allele frequency attached by ClinVar (database versions not stated): gnomAD 0.00001; gnomAD exomes 0.00002; ExAC 0.00003.
gnomAD v4.1: 37 of 1,585,090 alleles (0.0023%); highest among the groups gnomAD compares: South Asian, 0.0069%; no homozygotes.

Submissions (9):

Natera, Inc.
Classification: Pathogenic for Severe combined immunodeficiency due to ADA deficiency. Last evaluated: 2025-12-17. Review status: criteria provided, single submitter. Criteria: Natera Variant Classification Schema (03/2026). Collection method: clinical testing. Allele origin: germline.
Comment: The c.424C>T variant in ADA is a nonsense variant predicted to introduce a stop codon at amino acid 142. This variant is expected to result in nonsense mediated decay, truncation, or a dysfunctional protein product. This variant is rare in the general population with a frequency below the threshold expected for the associated phenotype(s). This variant has been observed in one or more individuals affected with the associated recessive disease, as either homozygous or compound heterozygous with a second variant (PMID: 8589684). Given the available evidence, this variant is classified as Pathogenic.

Labcorp Genetics (formerly Invitae), Labcorp
Classification: Pathogenic for Severe combined immunodeficiency, autosomal recessive, T cell-negative, B cell-negative, NK cell-negative, due to adenosine deaminase deficiency. Last evaluated: 2025-09-21. Review status: criteria provided, single submitter. Criteria: Invitae Variant Classification Sherloc (09022015). Collection method: clinical testing. Allele origin: germline.
Comment: This sequence change creates a premature translational stop signal (p.Arg142*) in the ADA gene. It is expected to result in an absent or disrupted protein product. Loss-of-function variants in ADA are known to be pathogenic (PMID: 26255240, 26376800). The frequency data for this variant in the population databases is considered unreliable, as metrics indicate poor data quality at this position in the gnomAD database. This premature translational stop signal has been observed in individual(s) with adenosine deaminase deficiency (PMID: 8589684, 26255240). ClinVar contains an entry for this variant (Variation ID: 552928). Algorithms developed to predict the effect of sequence changes on RNA splicing suggest that this variant may disrupt the consensus splice site. For these reasons, this variant has been classified as Pathogenic.

Blueprint Genetics
Classification: Pathogenic for ADA-related disorders. Last evaluated: 2023-12-18. Review status: criteria provided, single submitter. Criteria: ACMG Guidelines, 2015. Collection method: clinical testing. Allele origin: germline. Affected: yes. Observed: 5 variant alleles.

Genome-Nilou Lab
Classification: Pathogenic for Severe combined immunodeficiency, autosomal recessive, T cell-negative, B cell-negative, NK cell-negative, due to adenosine deaminase deficiency. Last evaluated: 2021-08-10. Review status: criteria provided, single submitter. Criteria: ACMG Guidelines, 2015. Collection method: clinical testing. Allele origin: germline. Affected: no.

Revvity Omics, Revvity
Classification: Pathogenic for Severe combined immunodeficiency, autosomal recessive, T cell-negative, B cell-negative, NK cell-negative, due to adenosine deaminase deficiency. Last evaluated: 2021-06-23. Review status: criteria provided, single submitter. Criteria: ACMG Guidelines, 2015. Collection method: clinical testing. Allele origin: germline.

Women's Health and Genetics/Laboratory Corporation of America, LabCorp
Classification: Pathogenic for Severe combined immunodeficiency disease. Last evaluated: 2021-01-01. Review status: criteria provided, single submitter. Criteria: LabCorp Variant Classification Summary - May 2015. Collection method: clinical testing. Allele origin: germline.
Comment: Variant summary: ADA c.424C>T (p.Arg142X) results in a premature termination codon, predicted to cause a truncation of the encoded protein or absence of the protein due to nonsense mediated decay, which are commonly known mechanisms for disease. One publication reports experimental evidence that this variant results in a precise 116 bp deletion of exon 5. Skipping of exon 5 caused by R142X shifts the reading frame, introducing a new TAA translation stop signal at the 10th codon (Santisteban_1995). The same study, determined ADA activity in T cells and red blood cells of a patient homozygous for the variant to be <2% of normal. The variant was absent in 227376 control chromosomes (gnomAD). c.424C>T has been reported in the literature in multiple affected individuals (example, Adams_2015, Grunebaum_2012, Santisteban_1995). These data indicate that the variant is very likely to be associated with disease. One ClinVar submission from a clinical diagnostic laboratory (evaluation after 2014) cites the variant as pathogenic. Based on the evidence outlined above, the variant was classified as pathogenic.

Beijing Key Laboratry for Genetics of Birth Defects, Beijing Children's Hospital
Classification: Pathogenic for Severe combined immunodeficiency, autosomal recessive, T cell-negative, B cell-negative, NK cell-negative, due to adenosine deaminase deficiency. Last evaluated: 2020-12-20. Review status: criteria provided, single submitter. Criteria: ACMG Guidelines, 2015. Collection method: clinical testing. Allele origin: germline. Affected: yes. Observed: 1 variant allele.

PreventionGenetics, part of Exact Sciences
Classification: Pathogenic for ADA-related condition. Last evaluated: 2024-03-12. Review status: no assertion criteria provided. Collection method: clinical testing. Allele origin: germline. Not counted in ClinVar's aggregate classification.
Comment: The ADA c.424C>T variant is predicted to result in premature protein termination (p.Arg142*). This variant has been reported in the homozygous state in multiple individuals with severe combined immunodeficiency (SCID) (Santisteban et al. 1995. PubMed ID: 8589684; Pajno et al. 2020. PubMed ID: 32307643). Functional studies have reported that this variant leads to a deletion of exon 5 (Santisteban et al. 1995. PubMed ID: 8589684; Valentine. 1998. PubMed ID: 9806422). This variant is reported in 0.012% of alleles in individuals of South Asian descent in gnomAD. Nonsense variants in ADA are expected to be pathogenic. This variant is interpreted as pathogenic.

Counsyl
Classification: Pathogenic for Severe combined immunodeficiency, autosomal recessive, T cell-negative, B cell-negative, NK cell-negative, due to adenosine deaminase deficiency. Last evaluated: 2017-07-18. Review status: no assertion criteria provided. Collection method: clinical testing. Allele origin: unknown. Not counted in ClinVar's aggregate classification.

Literature cited by the submitters: PubMed 8589684 (cited by 5 submitters); PubMed 26255240 (cited by 3 submitters); PubMed 26376800 (cited by Labcorp Genetics (formerly Invitae), Labcorp); PubMed 22409989 (cited by Women's Health and Genetics/Laboratory Corporation of America, LabCorp); PubMed 9806422 (cited by Beijing Key Laboratry for Genetics of Birth Defects, Beijing Children's Hospital and Counsyl); PubMed 25525159 (cited by Beijing Key Laboratry for Genetics of Birth Defects, Beijing Children's Hospital and Counsyl); PubMed 32307643 (cited by Beijing Key Laboratry for Genetics of Birth Defects, Beijing Children's Hospital); PubMed 16825284 (cited by Counsyl).

NM_000022.4(ADA):c.424C>T (p.Arg142Ter)

Gene: ADA (adenosine deaminase; minus strand). Cytogenetic location: 20q13.12.
Variant type: single nucleotide variant.
Coding change: c.424C>T on transcript NM_000022.4 (MANE Select); coding-DNA position 424, C replaced by T.
Protein change: p.Arg142Ter; replaces arginine 142 with a stop codon.
Molecular consequence: nonsense. On other transcripts: non-coding transcript variant (1), intron variant (1).
Genome position (GRCh38, 1-based): chr20:44,625,623, G>A on the plus strand (C>T on the coding strand, the complement: ADA is on the minus strand). VCF-style: chr20-44625623-G-A. GRCh37 (hg19) VCF-style: chr20-43254264-G-A.
Other names: c.424C>T, p.Arg142Ter (NM_001322051.2); c.73+833C>T (NM_001322050.2); short protein forms R142*.
Identifiers: ClinVar variation 552928 (VCV000552928.38), dbSNP rs780014431, ClinGen allele CA9871676.
Genomic context (GRCh38, chr20:44,625,623, plus strand): 5'-ACTCACTGGGCTGGTGGCGCATGCAGCACAGGATGGACCGGGCCTTGACCCCGAAGTCTC[G>A]CTCCCCCTCCTGCAGGCCCTGGCCCACTAGGGCCACCACCTCGTCTGGGGTGAGGTCCCC-3'